The following is an entry in ClinVar:

ClinVar aggregate classification (germline): Uncertain significance. Review status: criteria provided, multiple submitters, no conflicts (2 of 4 stars). 4 submissions from 4 submitters: Uncertain significance (4). Last evaluated 2025-12-18.

Conditions:
Familial cancer of breast. Also called: BREAST CANCER, FAMILIAL; hereditary breast carcinoma; Hereditary breast cancer. Identifiers: Orphanet 227535, MedGen C0346153, MONDO:0016419, OMIM 114480. Disease mechanism: loss of function.
Hereditary cancer-predisposing syndrome. Also called: Neoplastic Syndromes, Hereditary; Tumor predisposition; Hereditary neoplastic syndrome; Hereditary Cancer Syndrome. Identifiers: Orphanet 140162, MedGen C0027672, MeSH D009386, MONDO:0015356.

Allele frequency attached by ClinVar (database versions not stated): TOPMed 0.00001; gnomAD exomes below 0.00001; gnomAD 0.00001.
gnomAD v4.1: 2 of 1,612,532 alleles (0.00012%); highest among the groups gnomAD compares: Non-Finnish European, 0.00017%; no homozygotes.

Submissions (4):

Ambry Genetics
Classification: Uncertain significance for Hereditary cancer-predisposing syndrome. Last evaluated: 2025-12-18. Review status: criteria provided, single submitter. Criteria: Ambry Variant Classification Scheme 2023. Collection method: clinical testing. Allele origin: germline.
Comment: The p.R431G variant (also known as c.1291A>G), located in coding exon 11 of the CHEK2 gene, results from an A to G substitution at nucleotide position 1291. The arginine at codon 431 is replaced by glycine, an amino acid with dissimilar properties. This amino acid position is poorly conserved in available vertebrate species. In addition, this alteration is predicted to be tolerated by in silico analysis. Since supporting evidence is limited at this time, the clinical significance of this alteration remains unclear.

GeneDx
Classification: Uncertain significance. Last evaluated: 2024-04-21. Review status: criteria provided, single submitter. Criteria: GeneDx Variant Classification Process June 2021. Collection method: clinical testing. Allele origin: germline. Affected: yes.
Comment: Not observed at significant frequency in large population cohorts (gnomAD); In silico analysis indicates that this missense variant does not alter protein structure/function; Has not been previously published as pathogenic or benign to our knowledge; This variant is associated with the following publications: (PMID: 22419737, 19782031)

Baylor Genetics
Classification: Uncertain significance for Familial cancer of breast. Last evaluated: 2024-03-11. Review status: criteria provided, single submitter. Criteria: ACMG Guidelines, 2015. Collection method: clinical testing. Allele origin: unknown.

Labcorp Genetics (formerly Invitae), Labcorp
Classification: Uncertain significance for Familial cancer of breast. Last evaluated: 2024-02-15. Review status: criteria provided, single submitter. Criteria: Invitae Variant Classification Sherloc (09022015). Collection method: clinical testing. Allele origin: germline.
Comment: This sequence change replaces arginine, which is basic and polar, with glycine, which is neutral and non-polar, at codon 431 of the CHEK2 protein (p.Arg431Gly). This variant is not present in population databases (gnomAD no frequency). This variant has not been reported in the literature in individuals affected with CHEK2-related conditions. ClinVar contains an entry for this variant (Variation ID: 418842). An algorithm developed to predict the effect of missense changes on protein structure and function (PolyPhen-2) suggests that this variant is likely to be tolerated. In summary, the available evidence is currently insufficient to determine the role of this variant in disease. Therefore, it has been classified as a Variant of Uncertain Significance.

NM_007194.4(CHEK2):c.1291A>G (p.Arg431Gly)

Gene: CHEK2 (checkpoint kinase 2; minus strand). Cytogenetic location: 22q12.1.
Variant type: single nucleotide variant.
Coding change: c.1291A>G on transcript NM_007194.4 (MANE Select); coding-DNA position 1291, A replaced by G.
Protein change: p.Arg431Gly; replaces arginine 431 with glycine.
Molecular consequence: missense variant.
Genome position (GRCh38, 1-based): chr22:28,695,211, T>C on the plus strand (A>G on the coding strand, the complement: CHEK2 is on the minus strand). VCF-style: chr22-28695211-T-C. GRCh37 (hg19) VCF-style: chr22-29091199-T-C.
Other names: c.1420A>G, p.Arg474Gly (NM_001005735.3); c.628A>G, p.Arg210Gly (NM_001257387.3); c.1090A>G, p.Arg364Gly (NM_001349956.3); c.1204A>G, p.Arg402Gly (NM_145862.3); short protein forms R431G, R364G, R474G, R402G, R210G.
Identifiers: ClinVar variation 418842 (VCV000418842.14), dbSNP rs1064793470, ClinGen allele CA16621048.
Genomic context (GRCh38, chr22:28,695,211, plus strand): 5'-CTTCAGGAATGAAGTTGTATTTTCCACTGGTGATCTGATCCTTCAGTGACACTTGAGTCC[T>C]ATGCTCAGAGAAAGGTGGATACCCACTAAGGCTTAATATTGGTAGAGAGAGAAAGGAAAA-3'
Protein context (NP_009125.1, residues 421-441): LSGYPPFSEH[Arg431Gly]TQVSLKDQIT